The following is an entry in ClinVar:

NM_006329.4(FBLN5):c.804A>T (p.Thr268=)

Gene: FBLN5 (fibulin 5; minus strand). Cytogenetic location: 14q32.12.
Variant type: single nucleotide variant.
Coding change: c.804A>T on transcript NM_006329.4 (MANE Select); coding-DNA position 804, A replaced by T.
Protein change: p.Thr268=; no amino-acid change (threonine 268 retained).
Molecular consequence: synonymous variant.
Genome position (GRCh38, 1-based): chr14:91,883,012, T>A on the plus strand (A>T on the coding strand, the complement: FBLN5 is on the minus strand). VCF-style: chr14-91883012-T-A. GRCh37 (hg19) VCF-style: chr14-92349356-T-A.
Other names: c.804A>T, p.Thr268= (NM_001384160.1); c.636A>T, p.Thr212= (NM_001384161.1, NM_001384162.1); c.927A>T, p.Thr309= (NM_001384158.1); c.855A>T, p.Thr285= (NM_001384159.1).
Identifiers: ClinVar variation 3719860 (VCV003719860.2).

ClinVar aggregate classification (germline): Uncertain significance (1 of 4 stars; one submission).

Submission:

Labcorp Genetics (formerly Invitae), Labcorp
Classification: Uncertain significance. Last evaluated: 2024-10-06. Review status: criteria provided, single submitter. Criteria: Invitae Variant Classification Sherloc (09022015). Collection method: clinical testing. Allele origin: germline.
Comment: This sequence change affects codon 268 of the FBLN5 mRNA. It is a 'silent' change, meaning that it does not change the encoded amino acid sequence of the FBLN5 protein. This variant is not present in population databases (gnomAD no frequency). This variant has not been reported in the literature in individuals affected with FBLN5-related conditions. Algorithms developed to predict the effect of sequence changes on RNA splicing suggest that this variant may create or strengthen a splice site. In summary, the available evidence is currently insufficient to determine the role of this variant in disease. Therefore, it has been classified as a Variant of Uncertain Significance.